The following is an entry in ClinVar:

NM_000719.7(CACNA1C):c.2232A>C (p.Leu744=)

Gene: CACNA1C (calcium voltage-gated channel subunit alpha1 C; plus strand). Cytogenetic location: 12p13.33.
Variant type: single nucleotide variant.
Coding change: c.2232A>C on transcript NM_000719.7 (MANE Select); coding-DNA position 2232, A replaced by C.
Protein change: p.Leu744=; no amino-acid change (leucine 744 retained).
Molecular consequence: synonymous variant.
Genome position (GRCh38, 1-based): chr12:2,584,510, A>C. VCF-style: chr12-2584510-A-C. GRCh37 (hg19) VCF-style: chr12-2693676-A-C.
Other names: c.2232A>C, p.Leu744= (NM_001129827.2, NM_001129829.2, NM_001129830.3 and 18 more transcripts); c.2223A>C, p.Leu741= (NM_001129844.2).
Identifiers: ClinVar variation 308137 (VCV000308137.19), dbSNP rs370145265, ClinGen allele CA6388932.

ClinVar aggregate classification (germline): Likely benign. Review status: criteria provided, multiple submitters, no conflicts (2 of 4 stars). 6 submissions from 6 submitters: Likely benign (3). 3 of the submissions do not count toward it. Last evaluated 2025-12-21.

Conditions:
Long QT syndrome (LQTS). Identifiers: MedGen C0023976, MeSH D008133, MONDO:0002442. Disease mechanism: loss of function. Inheritance: Various modes of inheritance.
Cardiovascular phenotype. Identifiers: MedGen CN230736.

Allele frequency attached by ClinVar (database versions not stated): ExAC 0.00002; gnomAD exomes 0.00002 and 0.00005; TOPMed 0.00005; gnomAD 0.00007; ESP Exome Variant Server 0.00032.
gnomAD v4.1: 82 of 1,609,672 alleles (0.0051%); highest among the groups gnomAD compares: Non-Finnish European, 0.0064%; no homozygotes.

Submissions (6):

Labcorp Genetics (formerly Invitae), Labcorp
Classification: Likely benign for Long QT syndrome. Last evaluated: 2025-12-21. Review status: criteria provided, single submitter. Criteria: Invitae Variant Classification Sherloc (09022015). Collection method: clinical testing. Allele origin: germline.

Ambry Genetics
Classification: Likely benign for Cardiovascular phenotype. Last evaluated: 2019-09-11. Review status: criteria provided, single submitter. Criteria: Ambry Variant Classification Scheme 2023. Collection method: clinical testing. Allele origin: germline.

GeneDx
Classification: Likely benign. Last evaluated: 2017-01-09. Review status: criteria provided, single submitter. Criteria: GeneDx Variant Classification (06012015). Collection method: clinical testing. Allele origin: germline. Affected: yes.
Comment: This variant is considered likely benign or benign based on one or more of the following criteria: it is a conservative change, it occurs at a poorly conserved position in the protein, it is predicted to be benign by multiple in silico algorithms, and/or has population frequency not consistent with disease.

Clinical Genetics DNA and cytogenetics Diagnostics Lab, Erasmus MC, Erasmus Medical Center
Classification: Likely benign. Review status: no assertion criteria provided. Collection method: clinical testing. Allele origin: germline. Affected: yes. Study: VKGL Data-share Consensus. Not counted in ClinVar's aggregate classification.

Clinical Genetics, Academic Medical Center
Classification: Benign. Review status: no assertion criteria provided. Collection method: clinical testing. Allele origin: germline. Affected: yes. Study: VKGL Data-share Consensus. Not counted in ClinVar's aggregate classification.

Joint Genome Diagnostic Labs from Nijmegen and Maastricht, Radboudumc and MUMC+
Classification: Likely benign. Review status: no assertion criteria provided. Collection method: clinical testing. Allele origin: germline. Affected: yes. Study: VKGL Data-share Consensus. Not counted in ClinVar's aggregate classification.